The following is an entry in ClinVar:

NM_001276270.2(MBD4):c.249dup (p.Lys84Ter)

Gene: MBD4 (methyl-CpG binding domain 4, DNA glycosylase; minus strand). Cytogenetic location: 3q21.3.
Variant type: Duplication.
Coding change: c.249dup on transcript NM_001276270.2 (MANE Select); coding-DNA position 249, one base duplicated (T; older notation c.249dupT).
Protein change: p.Lys84Ter; replaces lysine 84 with a stop codon.
Molecular consequence: nonsense. On other transcripts: splice donor variant (1).
Genome position (GRCh38, 1-based): chr3:129,437,806, A duplicated on the plus strand (T on the coding strand, the reverse complement: MBD4 is on the minus strand). VCF-style (leftmost placement, unchanged base first): chr3-129437805-T-TA. GRCh37 (hg19) VCF-style: chr3-129156648-T-TA.
Other names: c.249dupT (NM_001276270.2); c.249dup, p.Lys84Ter (NM_001276271.2, NM_001276272.2, NM_003925.3); c.247+2dup (NM_001276273.2); short protein forms K84*.
Identifiers: ClinVar variation 2878853 (VCV002878853.4), dbSNP rs765744560, ClinGen allele CA2605572.

ClinVar aggregate classification (germline): Pathogenic. Review status: criteria provided, multiple submitters, no conflicts (2 of 4 stars). 2 submissions from 2 submitters: Pathogenic (2). Last evaluated 2026-01-07.

Conditions:
Inborn genetic diseases. Identifiers: MedGen C0950123, MeSH D030342.

Allele frequency attached by ClinVar (database versions not stated): TOPMed 0.00001; gnomAD 0.00001; ESP Exome Variant Server 0.00008; ExAC 0.00002.

Submissions (2):

Labcorp Genetics (formerly Invitae), Labcorp
Classification: Pathogenic. Last evaluated: 2026-01-07. Review status: criteria provided, single submitter. Criteria: Invitae Variant Classification Sherloc (09022015). Collection method: clinical testing. Allele origin: germline.
Comment: This sequence change creates a premature translational stop signal (p.Lys84*) in the MBD4 gene. It is expected to result in an absent or disrupted protein product. Loss-of-function variants in MBD4 are known to be pathogenic (PMID: 30049810, 35460607). This variant is present in population databases (rs765744560, gnomAD 0.004%). This variant has not been reported in the literature in individuals affected with MBD4-related conditions. ClinVar contains an entry for this variant (Variation ID: 2878853). For these reasons, this variant has been classified as Pathogenic.

Ambry Genetics
Classification: Pathogenic for Inborn genetic diseases. Last evaluated: 2024-12-06. Review status: criteria provided, single submitter. Criteria: Ambry Variant Classification Scheme 2023. Collection method: clinical testing. Allele origin: germline.
Comment: The c.249dupT pathogenic mutation, located in coding exon 2 of the MBD4 gene, results from a duplication of T at nucleotide position 249, causing a translational frameshift with a predicted alternate stop codon (p.K84*). This variant is considered to be rare based on population cohorts in the Genome Aggregation Database (gnomAD). This alteration is expected to result in loss of function by premature protein truncation or nonsense-mediated mRNA decay. As such, this alteration is interpreted as a disease-causing mutation.

Literature cited by the submitters: PubMed 30049810 (cited by Labcorp Genetics (formerly Invitae), Labcorp); PubMed 35460607 (cited by Labcorp Genetics (formerly Invitae), Labcorp).